The following is an entry in ClinVar:

ClinVar aggregate classification (germline): Uncertain significance (1 of 4 stars; one submission).

Conditions:
Progressive familial heart block type IB (PFHB1B). Identifiers: Orphanet 871, MedGen C1970298, MONDO:0011474, OMIM 604559.

Submission:

Labcorp Genetics (formerly Invitae), Labcorp
Classification: Uncertain significance for Progressive familial heart block type IB. Last evaluated: 2023-02-21. Review status: criteria provided, single submitter. Criteria: Invitae Variant Classification Sherloc (09022015). Collection method: clinical testing. Allele origin: unknown.
Comment: This variant is a gross deletion of the genomic region encompassing exon(s) 17-20 of the TRPM4 gene. This variant would be expected to be in-frame, preserving the integrity of the reading frame. This variant has not been reported in the literature in individuals affected with TRPM4-related conditions. Experimental studies and prediction algorithms are not available or were not evaluated, and the functional significance of this variant is currently unknown. In summary, the available evidence is currently insufficient to determine the role of this variant in disease. Therefore, it has been classified as a Variant of Uncertain Significance.

NC_000019.9:g.(?_49699677)_(49705418_?)del

Gene: TRPM4 (transient receptor potential cation channel subfamily M member 4; plus strand). Cytogenetic location: 19q13.33.
Variant type: Deletion.
Identifiers: ClinVar variation 3248460 (VCV003248460.1).